The following is an entry in ClinVar:

ClinVar aggregate classification (germline): Uncertain significance (1 of 4 stars; one submission).

Conditions:
Glycogen storage disease due to muscle and heart glycogen synthase deficiency. Also called: GSD 0b; MUSCLE GLYCOGEN SYNTHASE DEFICIENCY. Identifiers: Orphanet 137625, MedGen C1969054, MONDO:0012693, OMIM 611556.

Submission:

Labcorp Genetics (formerly Invitae), Labcorp
Classification: Uncertain significance for Glycogen storage disease due to muscle and heart glycogen synthase deficiency. Last evaluated: 2022-06-20. Review status: criteria provided, single submitter. Criteria: Invitae Variant Classification Sherloc (09022015). Collection method: clinical testing. Allele origin: germline.
Comment: This sequence change replaces histidine, which is basic and polar, with leucine, which is neutral and non-polar, at codon 315 of the GYS1 protein (p.His315Leu). This variant is not present in population databases (gnomAD no frequency). This variant has not been reported in the literature in individuals affected with GYS1-related conditions. ClinVar contains an entry for this variant (Variation ID: 1015336). Algorithms developed to predict the effect of missense changes on protein structure and function (SIFT, PolyPhen-2, Align-GVGD) all suggest that this variant is likely to be tolerated. In summary, the available evidence is currently insufficient to determine the role of this variant in disease. Therefore, it has been classified as a Variant of Uncertain Significance.

NM_002103.5(GYS1):c.944A>T (p.His315Leu)

Gene: GYS1 (glycogen synthase 1; minus strand). Cytogenetic location: 19q13.33.
Variant type: single nucleotide variant.
Coding change: c.944A>T on transcript NM_002103.5 (MANE Select); coding-DNA position 944, A replaced by T.
Protein change: p.His315Leu; replaces histidine 315 with leucine.
Molecular consequence: missense variant. On other transcripts: non-coding transcript variant (1).
Genome position (GRCh38, 1-based): chr19:48,982,373, T>A on the plus strand (A>T on the coding strand, the complement: GYS1 is on the minus strand). VCF-style: chr19-48982373-T-A. GRCh37 (hg19) VCF-style: chr19-49485630-T-A.
Other names: c.752A>T, p.His251Leu (NM_001161587.2); short protein forms H251L, H315L.
Identifiers: ClinVar variation 1015336 (VCV001015336.7), dbSNP rs1432327187, ClinGen allele CA406763509.